The following is an entry in ClinVar:

NM_000459.5(TEK):c.1413T>G (p.Phe471Leu)

Gene: TEK (TEK receptor tyrosine kinase; plus strand). Cytogenetic location: 9p21.2.
Variant type: single nucleotide variant.
Coding change: c.1413T>G on transcript NM_000459.5 (MANE Select); coding-DNA position 1413, T replaced by G.
Protein change: p.Phe471Leu; replaces phenylalanine 471 with leucine.
Molecular consequence: missense variant.
Genome position (GRCh38, 1-based): chr9:27,190,614, T>G. VCF-style: chr9-27190614-T-G. GRCh37 (hg19) VCF-style: chr9-27190612-T-G.
Other names: c.1284T>G, p.Phe428Leu (NM_001290077.2, NM_001375476.1); c.972T>G, p.Phe324Leu (NM_001290078.2); c.1413T>G, p.Phe471Leu (NM_001375475.1); short protein forms F324L, F428L, F471L.
Identifiers: ClinVar variation 2505742 (VCV002505742.2), dbSNP rs749405516, ClinGen allele CA373131891.
Genomic context (GRCh38, chr9:27,190,614, plus strand): 5'-AAACGTGATTGACACTGGACATAACTTTGCTGTCATCAACATCAGCTCTGAGCCTTACTT[T>G]GGGGATGGACCAATCAAATCCAAGAAGCTTCTATACAAACCCGTTAATCACTATGAGGCT-3'
Protein context (NP_000450.3, residues 461-481): AVINISSEPY[Phe471Leu]GDGPIKSKKL

ClinVar aggregate classification (germline): Uncertain significance. Review status: criteria provided, multiple submitters, no conflicts (2 of 4 stars). 2 submissions from 2 submitters: Uncertain significance (2). Last evaluated 2024-07-03.

Conditions:
Inborn genetic diseases. Identifiers: MedGen C0950123, MeSH D030342.

Allele frequency attached by ClinVar (database versions not stated): gnomAD 0.00001; TOPMed 0.00001.
gnomAD v4.1: 3 of 1,613,896 alleles (0.00019%); highest among the groups gnomAD compares: Non-Finnish European, 0.00025%; no homozygotes.

Submissions (2):

Ambry Genetics
Classification: Uncertain significance for Inborn genetic diseases. Last evaluated: 2024-07-03. Review status: criteria provided, single submitter. Criteria: Ambry Variant Classification Scheme 2023. Collection method: clinical testing. Allele origin: germline.

GeneDx
Classification: Uncertain significance. Last evaluated: 2022-12-13. Review status: criteria provided, single submitter. Criteria: GeneDx Variant Classification Process June 2021. Collection method: clinical testing. Allele origin: germline. Affected: yes.
Comment: Not observed at significant frequency in large population cohorts (gnomAD); In silico analysis supports that this missense variant does not alter protein structure/function; Has not been previously published as pathogenic or benign to our knowledge